The following is an entry in ClinVar:

NM_001365068.1(ASTN2):c.2639T>G (p.Val880Gly)

Gene: ASTN2 (astrotactin 2; minus strand). Cytogenetic location: 9q33.1.
Variant type: single nucleotide variant.
Coding change: c.2639T>G on transcript NM_001365068.1 (MANE Select); coding-DNA position 2639, T replaced by G.
Protein change: p.Val880Gly; replaces valine 880 with glycine.
Molecular consequence: missense variant.
Genome position (GRCh38, 1-based): chr9:116,725,938, A>C on the plus strand (T>G on the coding strand, the complement: ASTN2 is on the minus strand). VCF-style: chr9-116725938-A-C. GRCh37 (hg19) VCF-style: chr9-119488217-A-C.
Other names: c.2627T>G, p.Val876Gly (NM_001365069.1); c.2486T>G, p.Val829Gly (NM_014010.5); short protein forms V829G, V876G, V880G.
Identifiers: ClinVar variation 2634046 (VCV002634046.2), dbSNP rs756615264, ClinGen allele CA5211276.

ClinVar aggregate classification (germline): Uncertain significance. Review status: criteria provided, multiple submitters, no conflicts (2 of 4 stars). 2 submissions from 2 submitters: Uncertain significance (2). Last evaluated 2025-08-28.

Conditions:
ASTN2-related disorder. Also called: ASTN2-related condition.

Allele frequency attached by ClinVar (database versions not stated): ExAC 0.00007; TOPMed 0.00014; gnomAD 0.00020.
gnomAD v4.1: 95 of 1,612,550 alleles (0.0059%); highest among the groups gnomAD compares: Admixed American, 0.058%; no homozygotes.

Submissions (2):

Ambry Genetics
Classification: Uncertain significance. Last evaluated: 2025-08-28. Review status: criteria provided, single submitter. Criteria: Ambry Variant Classification Scheme 2023. Collection method: clinical testing. Allele origin: germline.

PreventionGenetics, part of Exact Sciences
Classification: Uncertain significance for ASTN2-related condition. Last evaluated: 2022-11-29. Review status: criteria provided, single submitter. Criteria: ACMG Guidelines, 2015. Collection method: clinical testing. Allele origin: germline.
Comment: The ASTN2 c.2486T>G variant is predicted to result in the amino acid substitution p.Val829Gly. To our knowledge, this variant has not been reported in the literature. This variant is reported in 0.028% of alleles in individuals of Latino descent in gnomAD. At this time, the clinical significance of this variant is uncertain due to the absence of conclusive functional and genetic evidence.